The following is an entry in ClinVar:

ClinVar aggregate classification (germline): Likely benign (0 of 4 stars; one submission).

Conditions:
GAPVD1-related disorder. Also called: GAPVD1-related condition.

Allele frequency attached by ClinVar (database versions not stated): 1000 Genomes Project 0.00040; 1000 Genomes Project 30x 0.00047; gnomAD 0.00071; ExAC 0.00076; TOPMed 0.00077; ESP Exome Variant Server 0.00123; gnomAD exomes 0.00135.

Submission:

PreventionGenetics, part of Exact Sciences
Classification: Likely benign for GAPVD1-related condition. Last evaluated: 2020-01-30. Review status: no assertion criteria provided. Collection method: clinical testing. Allele origin: germline.
Comment: This variant is classified as likely benign based on ACMG/AMP sequence variant interpretation guidelines (Richards et al. 2015 PMID: 25741868, with internal and published modifications).

NM_001282680.3(GAPVD1):c.1938C>T (p.Asp646=)

Gene: GAPVD1 (GTPase activating protein and VPS9 domains 1; plus strand). Cytogenetic location: 9q33.3.
Variant type: single nucleotide variant.
Coding change: c.1938C>T on transcript NM_001282680.3 (MANE Select); coding-DNA position 1938, C replaced by T.
Protein change: p.Asp646=; no amino-acid change (aspartic acid 646 retained).
Molecular consequence: synonymous variant. On other transcripts: non-coding transcript variant (2).
Genome position (GRCh38, 1-based): chr9:125,326,495, C>T. VCF-style: chr9-125326495-C-T. GRCh37 (hg19) VCF-style: chr9-128088774-C-T.
Other names: c.1938C>T, p.Asp646= (NM_001282679.2, NM_001330778.3, NM_001354294.2 and 6 more transcripts); c.1875C>T, p.Asp625= (NM_001282681.3, NM_001330777.3, NM_001354297.2 and 1 more transcripts).
Identifiers: ClinVar variation 3033851 (VCV003033851.2), dbSNP rs149991575, ClinGen allele CA5240297.
Genomic context (GRCh38, chr9:125,326,495, plus strand): 5'-TGATGATAAGCTAAGGAAGTTTGAAATTCGTGACATGATGGGATTAACAGATGATAGGGA[C>T]ATATCAGAAACAGTGAGTGAGACCTGGAGTACAGACGTCTTGGGAAGTGACTTTGACCCT-3'
Protein context (NP_001269609.1, residues 636-656): RDMMGLTDDR[Asp646=]ISETVSETWS